The following continues an entry in ClinVar:

NM_201384.3(PLEC):c.265-16C>G

Gene: PLEC. ClinVar aggregate classification (germline): Benign. Benign (3).

Submissions 28 to 42 of 42:

Dr. Peter K. Rogan Lab, Western University
No classification provided (evidence only). Condition: Cervical cancer. Review status: no classification provided. Collection method: in vitro. Allele origin: not applicable. Functional consequence: retained intron. Not counted in ClinVar's aggregate classification.

Dr. Peter K. Rogan Lab, Western University
No classification provided (evidence only). Condition: Sarcoma. Review status: no classification provided. Collection method: in vitro. Allele origin: not applicable. Functional consequence: skipped exon, retained intron. Not counted in ClinVar's aggregate classification.

Dr. Peter K. Rogan Lab, Western University
No classification provided (evidence only). Condition: Cholangiocarcinoma. Review status: no classification provided. Collection method: in vitro. Allele origin: not applicable. Functional consequence: skipped exon, retained intron. Not counted in ClinVar's aggregate classification.

Dr. Peter K. Rogan Lab, Western University
No classification provided (evidence only). Condition: Ovarian serous cystadenocarcinoma. Review status: no classification provided. Collection method: in vitro. Allele origin: not applicable. Functional consequence: retained intron. Not counted in ClinVar's aggregate classification.

Dr. Peter K. Rogan Lab, Western University
No classification provided (evidence only). Condition: Ovarian serous cystadenocarcinoma. Review status: no classification provided. Collection method: in vitro. Allele origin: not applicable. Functional consequence: retained intron. Not counted in ClinVar's aggregate classification.

Dr. Peter K. Rogan Lab, Western University
No classification provided (evidence only). Condition: Ovarian serous cystadenocarcinoma. Review status: no classification provided. Collection method: in vitro. Allele origin: not applicable. Functional consequence: retained intron. Not counted in ClinVar's aggregate classification.

Dr. Peter K. Rogan Lab, Western University
No classification provided (evidence only). Condition: Ovarian serous cystadenocarcinoma. Review status: no classification provided. Collection method: in vitro. Allele origin: not applicable. Functional consequence: retained intron. Not counted in ClinVar's aggregate classification.

Dr. Peter K. Rogan Lab, Western University
No classification provided (evidence only). Condition: Gastric cancer. Review status: no classification provided. Collection method: in vitro. Allele origin: not applicable. Functional consequence: retained intron. Not counted in ClinVar's aggregate classification.

Dr. Peter K. Rogan Lab, Western University
No classification provided (evidence only). Condition: Gastric cancer. Review status: no classification provided. Collection method: in vitro. Allele origin: not applicable. Functional consequence: retained intron. Not counted in ClinVar's aggregate classification.

Dr. Peter K. Rogan Lab, Western University
No classification provided (evidence only). Condition: Gastric cancer. Review status: no classification provided. Collection method: in vitro. Allele origin: not applicable. Functional consequence: retained intron. Not counted in ClinVar's aggregate classification.

Dr. Peter K. Rogan Lab, Western University
No classification provided (evidence only). Condition: Gastric cancer. Review status: no classification provided. Collection method: in vitro. Allele origin: not applicable. Functional consequence: retained intron. Not counted in ClinVar's aggregate classification.

Dr. Peter K. Rogan Lab, Western University
No classification provided (evidence only). Condition: Gastric cancer. Review status: no classification provided. Collection method: in vitro. Allele origin: not applicable. Functional consequence: retained intron. Not counted in ClinVar's aggregate classification.

Dr. Peter K. Rogan Lab, Western University
No classification provided (evidence only). Condition: Malignant tumor of esophagus. Review status: no classification provided. Collection method: in vitro. Allele origin: not applicable. Functional consequence: retained intron. Not counted in ClinVar's aggregate classification.

Dr. Peter K. Rogan Lab, Western University
No classification provided (evidence only). Condition: Malignant tumor of esophagus. Review status: no classification provided. Collection method: in vitro. Allele origin: not applicable. Functional consequence: retained intron. Not counted in ClinVar's aggregate classification.

Laboratory of Diagnostic Genome Analysis, Leiden University Medical Center (LUMC)
Classification: Likely benign. Review status: no assertion criteria provided. Collection method: clinical testing. Allele origin: germline. Affected: yes. Study: VKGL Data-share Consensus. Not counted in ClinVar's aggregate classification.